The following is an entry in ClinVar:

ClinVar aggregate classification (germline): Uncertain significance (1 of 4 stars; one submission).

Conditions:
Familial thoracic aortic aneurysm and aortic dissection (TAAD). Also called: Thoracic aortic aneurysms and dissections. Identifiers: Orphanet 91387, MedGen C4707243, MONDO:0019625.

gnomAD v4.1: 1 of 1,610,180 alleles (0.000062%); no homozygotes.

Submission:

Ambry Genetics
Classification: Uncertain significance for Familial thoracic aortic aneurysm and aortic dissection. Last evaluated: 2024-11-17. Review status: criteria provided, single submitter. Criteria: Ambry Variant Classification Scheme 2023. Collection method: clinical testing. Allele origin: germline.
Comment: The p.P1405A variant (also known as c.4213C>G), located in coding exon 25 of the NOTCH1 gene, results from a C to G substitution at nucleotide position 4213. The proline at codon 1405 is replaced by alanine, an amino acid with highly similar properties. This amino acid position is conserved. In addition, this alteration is predicted to be tolerated by in silico analysis. Based on the available evidence, the clinical significance of this variant remains unclear.

NM_017617.5(NOTCH1):c.4213C>G (p.Pro1405Ala)

Gene: NOTCH1 (notch receptor 1; minus strand). Cytogenetic location: 9q34.3.
Variant type: single nucleotide variant.
Coding change: c.4213C>G on transcript NM_017617.5 (MANE Select); coding-DNA position 4213, C replaced by G.
Protein change: p.Pro1405Ala; replaces proline 1405 with alanine.
Molecular consequence: missense variant.
Genome position (GRCh38, 1-based): chr9:136,505,683, G>C on the plus strand (C>G on the coding strand, the complement: NOTCH1 is on the minus strand). VCF-style: chr9-136505683-G-C. GRCh37 (hg19) VCF-style: chr9-139400135-G-C.
Other names: short protein forms P1405A.
Identifiers: ClinVar variation 3406921 (VCV003406921.1).